The following is an entry in ClinVar:

ClinVar aggregate classification (germline): Uncertain significance. Review status: criteria provided, multiple submitters, no conflicts (2 of 4 stars). 2 submissions from 2 submitters: Uncertain significance (2). Last evaluated 2022-08-09.

Conditions:
Immunodeficiency 67. Also called: Immunodeficiency due to interleukin-1 receptor-associated kinase-4 deficiency. Identifiers: Orphanet 70592, MedGen C1843256, MONDO:0011888, OMIM 607676.

Allele frequency attached by ClinVar (database versions not stated): ExAC 0.00002; gnomAD exomes 0.00004; gnomAD 0.00005 and 0.00006; TOPMed 0.00007; ESP Exome Variant Server 0.00008.

Submissions (2):

Labcorp Genetics (formerly Invitae), Labcorp
Classification: Uncertain significance for Immunodeficiency 67. Last evaluated: 2022-08-09. Review status: criteria provided, single submitter. Criteria: Invitae Variant Classification Sherloc (09022015). Collection method: clinical testing. Allele origin: germline.
Comment: This sequence change replaces valine, which is neutral and non-polar, with isoleucine, which is neutral and non-polar, at codon 205 of the IRAK4 protein (p.Val205Ile). This variant is present in population databases (rs370225662, gnomAD 0.01%). This variant has not been reported in the literature in individuals affected with IRAK4-related conditions. ClinVar contains an entry for this variant (Variation ID: 308727). Advanced modeling of protein sequence and biophysical properties (such as structural, functional, and spatial information, amino acid conservation, physicochemical variation, residue mobility, and thermodynamic stability) performed at Invitae indicates that this missense variant is not expected to disrupt IRAK4 protein function. In summary, the available evidence is currently insufficient to determine the role of this variant in disease. Therefore, it has been classified as a Variant of Uncertain Significance.

Illumina Laboratory Services, Illumina
Classification: Uncertain significance for Immunodeficiency 67. Last evaluated: 2018-01-13. Review status: criteria provided, single submitter. Criteria: ICSL Variant Classification Criteria 13 December 2019. Collection method: clinical testing. Allele origin: germline.

NM_016123.4(IRAK4):c.613G>A (p.Val205Ile)

Gene: IRAK4 (interleukin 1 receptor associated kinase 4; plus strand). Cytogenetic location: 12q12.
Variant type: single nucleotide variant.
Coding change: c.613G>A on transcript NM_016123.4 (MANE Select); coding-DNA position 613, G replaced by A.
Protein change: p.Val205Ile; replaces valine 205 with isoleucine.
Molecular consequence: missense variant. On other transcripts: intron variant (2).
Genome position (GRCh38, 1-based): chr12:43,773,034, G>A. VCF-style: chr12-43773034-G-A. GRCh37 (hg19) VCF-style: chr12-44166837-G-A.
Other names: c.613G>A, p.Val205Ile (NM_001114182.3, NM_001351345.2); c.241G>A, p.Val81Ile (NM_001145256.2, NM_001145257.2, NM_001145258.2 and 5 more transcripts); c.42+48G>A (NM_001351343.2, NM_001351344.2); short protein forms V205I, V81I.
Identifiers: ClinVar variation 308727 (VCV000308727.9), dbSNP rs370225662, ClinGen allele CA6522413.